The following is an entry in ClinVar:

NM_006206.6(PDGFRA):c.904A>G (p.Met302Val)

Gene: PDGFRA (platelet derived growth factor receptor alpha; plus strand). Cytogenetic location: 4q12.
Variant type: single nucleotide variant.
Coding change: c.904A>G on transcript NM_006206.6 (MANE Select); coding-DNA position 904, A replaced by G.
Protein change: p.Met302Val; replaces methionine 302 with valine.
Molecular consequence: missense variant.
Genome position (GRCh38, 1-based): chr4:54,267,433, A>G. VCF-style: chr4-54267433-A-G. GRCh37 (hg19) VCF-style: chr4-55133600-A-G.
Other names: c.904A>G, p.Met302Val (NM_001347827.2, NM_001347829.2); c.979A>G, p.Met327Val (NM_001347828.2); c.943A>G, p.Met315Val (NM_001347830.2); short protein forms M302V, M315V, M327V.
Identifiers: ClinVar variation 407419 (VCV000407419.10), dbSNP rs1060501512, ClinGen allele CA16611636.

ClinVar aggregate classification (germline): Uncertain significance. Review status: criteria provided, multiple submitters, no conflicts (2 of 4 stars). 2 submissions from 2 submitters: Uncertain significance (2). Last evaluated 2024-09-11.

Conditions:
Gastrointestinal stromal tumor. Also called: Gastrointestinal stromal tumor, somatic; Gastrointestinal stroma tumor. Identifiers: Orphanet 44890, MedGen C0238198, MeSH D046152, MONDO:0011719, OMIM 606764, HP:0100723.
Hereditary cancer-predisposing syndrome. Also called: Neoplastic Syndromes, Hereditary; Hereditary Cancer Syndrome; Hereditary neoplastic syndrome; Tumor predisposition. Identifiers: Orphanet 140162, MedGen C0027672, MeSH D009386, MONDO:0015356.

Submissions (2):

Labcorp Genetics (formerly Invitae), Labcorp
Classification: Uncertain significance for Gastrointestinal stromal tumor. Last evaluated: 2024-09-11. Review status: criteria provided, single submitter. Criteria: Invitae Variant Classification Sherloc (09022015). Collection method: clinical testing. Allele origin: germline.
Comment: This sequence change replaces methionine, which is neutral and non-polar, with valine, which is neutral and non-polar, at codon 302 of the PDGFRA protein (p.Met302Val). This variant is not present in population databases (gnomAD no frequency). This variant has not been reported in the literature in individuals affected with PDGFRA-related conditions. ClinVar contains an entry for this variant (Variation ID: 407419). Invitae Evidence Modeling of protein sequence and biophysical properties (such as structural, functional, and spatial information, amino acid conservation, physicochemical variation, residue mobility, and thermodynamic stability) indicates that this missense variant is not expected to disrupt PDGFRA protein function with a negative predictive value of 80%. In summary, the available evidence is currently insufficient to determine the role of this variant in disease. Therefore, it has been classified as a Variant of Uncertain Significance.

Ambry Genetics
Classification: Uncertain significance for Hereditary cancer-predisposing syndrome. Last evaluated: 2024-02-25. Review status: criteria provided, single submitter. Criteria: Ambry Variant Classification Scheme 2023. Collection method: clinical testing. Allele origin: germline.
Comment: The p.M302V variant (also known as c.904A>G), located in coding exon 5 of the PDGFRA gene, results from an A to G substitution at nucleotide position 904. The methionine at codon 302 is replaced by valine, an amino acid with highly similar properties. This amino acid position is conserved. In addition, this alteration is predicted to be tolerated by in silico analysis. Based on the available evidence, the clinical significance of this alteration remains unclear.